The following is an entry in ClinVar:

ClinVar aggregate classification (germline): Uncertain significance (1 of 4 stars; one submission).

Conditions:
Infantile neuroaxonal dystrophy (NBIA2A). Also called: NEURODEGENERATION WITH BRAIN IRON ACCUMULATION 2A; SEITELBERGER DISEASE; Infantile neuroaxonal dystrophy 1. Identifiers: Orphanet 35069, MedGen C0270724, MONDO:0024457, OMIM 256600.

Submission:

Unidad de Genómica Garrahan, Hospital de Pediatría Garrahan
Classification: Uncertain significance for Infantile neuroaxonal dystrophy. Last evaluated: 2021-10-19. Review status: criteria provided, single submitter. Criteria: ACMG Guidelines, 2015. Collection method: clinical testing. Allele origin: maternal. Affected: yes. Observed: 1 heterozygote.
Comment: PM2, PP3.

NM_003560.4(PLA2G6):c.1586T>C (p.Leu529Pro)

Gene: PLA2G6 (phospholipase A2 group VI; minus strand). Cytogenetic location: 22q13.1.
Variant type: single nucleotide variant.
Coding change: c.1586T>C on transcript NM_003560.4 (MANE Select); coding-DNA position 1586, T replaced by C.
Protein change: p.Leu529Pro; replaces leucine 529 with proline.
Molecular consequence: missense variant.
Genome position (GRCh38, 1-based): chr22:38,123,100, A>G on the plus strand (T>C on the coding strand, the complement: PLA2G6 is on the minus strand). VCF-style: chr22-38123100-A-G. GRCh37 (hg19) VCF-style: chr22-38519107-A-G.
Other names: c.1424T>C, p.Leu475Pro (NM_001004426.3, NM_001199562.3, NM_001349865.2 and 1 more transcripts); c.1586T>C, p.Leu529Pro (NM_001349864.2); c.1052T>C, p.Leu351Pro (NM_001349867.2); c.908T>C, p.Leu303Pro (NM_001349868.2); c.890T>C, p.Leu297Pro (NM_001349869.2); short protein forms L297P, L303P, L351P, L475P, L529P.
Identifiers: ClinVar variation 1691452 (VCV001691452.3), dbSNP rs2145721662, ClinGen allele CA411527774.
Genomic context (GRCh38, chr22:38,123,100, plus strand): 5'-CTTGAGGACACAGGTCTCAGCCCCGCCTGGCCCCATCCCCAGGGGCCGCCCTCACTGTGC[A>G]GAATGGCCAGGGCCAGGATGCCTCCAGTGCTGGTGCCCGCCACCCAGTCAAACAGGTCCT-3'
Protein context (NP_003551.2, residues 519-539): STGGILALAI[Leu529Pro]HSKSMAYMRG